The following is an entry in ClinVar:

NM_004415.4(DSP):c.3829C>T (p.Gln1277Ter)

Gene: DSP (desmoplakin; plus strand). Cytogenetic location: 6p24.3.
Variant type: single nucleotide variant.
Coding change: c.3829C>T on transcript NM_004415.4 (MANE Select); coding-DNA position 3829, C replaced by T.
Protein change: p.Gln1277Ter; replaces glutamine 1277 with a stop codon.
Molecular consequence: nonsense. On other transcripts: intron variant (1).
Genome position (GRCh38, 1-based): chr6:7,580,019, C>T. VCF-style: chr6-7580019-C-T. GRCh37 (hg19) VCF-style: chr6-7580252-C-T.
Other names: c.3829C>T, p.Gln1277Ter (NM_001319034.2); c.3582+247C>T (NM_001008844.3); short protein forms Q1277*.
Identifiers: ClinVar variation 44896 (VCV000044896.7), dbSNP rs397516933, ClinGen allele CA004272.

ClinVar aggregate classification (germline): Pathogenic/Likely pathogenic. Review status: criteria provided, multiple submitters, no conflicts (2 of 4 stars). 2 submissions from 2 submitters: Pathogenic (1); Likely pathogenic (1). Last evaluated 2023-08-03.

Conditions:
Arrhythmogenic cardiomyopathy with wooly hair and keratoderma. Also called: Carvajal syndrome; PALMOPLANTAR KERATODERMA WITH LEFT VENTRICULAR CARDIOMYOPATHY AND WOOLLY HAIR; Arrhythmogenic cardiomyopathy with woolly hair and keratoderma; Dilated cardiomyopathy with woolly hair and keratoderma. Identifiers: Orphanet 65282, MedGen C1854063, MONDO:0011581, OMIM 605676.
Arrhythmogenic right ventricular dysplasia 8 (ARVD8). Also called: ARRHYTHMOGENIC RIGHT VENTRICULAR DYSPLASIA, FAMILIAL, 8; ARRHYTHMOGENIC RIGHT VENTRICULAR CARDIOMYOPATHY 8; Arrhythmogenic Right Ventricular Dysplasia/Cardiomyopathy 8. Identifiers: MedGen C1843896, MONDO:0011831, OMIM 607450.
Arrhythmogenic right ventricular cardiomyopathy (ARVD). Also called: Arrhythmogenic right ventricular dysplasia; Arrhythmogenic cardiomyopathy; Arrhythmogenic Right Ventricular Cardiomyopathy (ARVC); Cardiomyopathy, ARVC. Identifiers: Orphanet 247, MedGen C0349788, MeSH D019571, MONDO:0016587. Disease mechanism: loss of function. Inheritance: Various modes of inheritance.

Allele frequency attached by ClinVar (database versions not stated): gnomAD exomes below 0.00001.
gnomAD v4.1: 3 of 1,614,122 alleles (0.00019%); highest among the groups gnomAD compares: South Asian, 0.0011%; no homozygotes.

Submissions (2):

Labcorp Genetics (formerly Invitae), Labcorp
Classification: Pathogenic for Arrhythmogenic cardiomyopathy with wooly hair and keratoderma; Arrhythmogenic right ventricular dysplasia 8. Last evaluated: 2023-08-03. Review status: criteria provided, single submitter. Criteria: Invitae Variant Classification Sherloc (09022015). Collection method: clinical testing. Allele origin: germline.
Comment: This sequence change creates a premature translational stop signal (p.Gln1277*) in the DSP gene. It is expected to result in an absent or disrupted protein product. Loss-of-function variants in DSP are known to be pathogenic (PMID: 20716751, 24503780, 25227139). This variant is not present in population databases (gnomAD no frequency). This variant has not been reported in the literature in individuals affected with DSP-related conditions. ClinVar contains an entry for this variant (Variation ID: 44896). For these reasons, this variant has been classified as Pathogenic.

Laboratory for Molecular Medicine, Mass General Brigham Personalized Medicine
Classification: Likely pathogenic for Arrhythmogenic right ventricular cardiomyopathy. Last evaluated: 2011-12-23. Review status: criteria provided, single submitter. Criteria: LMM Criteria. Collection method: clinical testing. Allele origin: germline. Observed: 1 variant allele.
Comment: The Gln1277X variant (DSP) has not been previously reported or identified by our laboratory. It leads to a premature stop at codon 1277, which is expected to le ad to a truncated or absent protein, and therefore, a heterozygous loss of funct ion of the DSP gene. Pathogenic loss of function variants in the DSP gene have b een described in patients with ARVC. Please note, an alternatively spliced trans cript in DSP is not predicted to be affected by this variant. In summary, the Gl n1277X variant is very likely sufficient to cardiomyopathy but additional data i s required to further access its pathogenicity.

Literature cited by the submitters: PubMed 20716751 (cited by Labcorp Genetics (formerly Invitae), Labcorp); PubMed 24503780 (cited by Labcorp Genetics (formerly Invitae), Labcorp); PubMed 25227139 (cited by Labcorp Genetics (formerly Invitae), Labcorp).